The following is an entry in ClinVar:

NM_002181.4(IHH):c.872G>A (p.Arg291Gln)

Gene: IHH (Indian hedgehog signaling molecule; minus strand). Cytogenetic location: 2q35.
Variant type: single nucleotide variant.
Coding change: c.872G>A on transcript NM_002181.4 (MANE Select); coding-DNA position 872, G replaced by A.
Protein change: p.Arg291Gln; replaces arginine 291 with glutamine.
Molecular consequence: missense variant.
Genome position (GRCh38, 1-based): chr2:219,055,571, C>T on the plus strand (G>A on the coding strand, the complement: IHH is on the minus strand). VCF-style: chr2-219055571-C-T. GRCh37 (hg19) VCF-style: chr2-219920293-C-T.
Other names: short protein forms R291Q.
Identifiers: ClinVar variation 1350770 (VCV001350770.12), dbSNP rs370408334, ClinGen allele CA2116583.

ClinVar aggregate classification (germline): Uncertain significance. Review status: criteria provided, multiple submitters, no conflicts (2 of 4 stars). 3 submissions from 3 submitters: Uncertain significance (3). Last evaluated 2025-11-11.

Conditions:
Inborn genetic diseases. Identifiers: MedGen C0950123, MeSH D030342.

Allele frequency attached by ClinVar (database versions not stated): ExAC 0.00004; gnomAD exomes 0.00004 and 0.00009; gnomAD 0.00012 and 0.00013; TOPMed 0.00020; ESP Exome Variant Server 0.00023.

Submissions (3):

Labcorp Genetics (formerly Invitae), Labcorp
Classification: Uncertain significance. Last evaluated: 2025-11-11. Review status: criteria provided, single submitter. Criteria: Invitae Variant Classification Sherloc (09022015). Collection method: clinical testing. Allele origin: germline.
Comment: This sequence change replaces arginine, which is basic and polar, with glutamine, which is neutral and polar, at codon 291 of the IHH protein (p.Arg291Gln). This variant is present in population databases (rs370408334, gnomAD 0.03%). This variant has not been reported in the literature in individuals affected with IHH-related conditions. ClinVar contains an entry for this variant (Variation ID: 1350770). Invitae Evidence Modeling of protein sequence and biophysical properties (such as structural, functional, and spatial information, amino acid conservation, physicochemical variation, residue mobility, and thermodynamic stability) indicates that this missense variant is not expected to disrupt IHH protein function with a negative predictive value of 80%. In summary, the available evidence is currently insufficient to determine the role of this variant in disease. Therefore, it has been classified as a Variant of Uncertain Significance.

Ambry Genetics
Classification: Uncertain significance for Inborn genetic diseases. Last evaluated: 2025-04-10. Review status: criteria provided, single submitter. Criteria: Ambry Variant Classification Scheme 2023. Collection method: clinical testing. Allele origin: germline.

GeneDx
Classification: Uncertain significance. Last evaluated: 2021-12-27. Review status: criteria provided, single submitter. Criteria: GeneDx Variant Classification Process June 2021. Collection method: clinical testing. Allele origin: germline. Affected: yes.
Comment: In silico analysis supports that this missense variant does not alter protein structure/function; Has not been previously published as pathogenic or benign to our knowledge